The following is an entry in ClinVar:

ClinVar aggregate classification (germline): Uncertain significance. Review status: criteria provided, multiple submitters, no conflicts (2 of 4 stars). 4 submissions from 4 submitters: Uncertain significance (3). 1 of the submissions does not count toward it. Last evaluated 2024-08-19.

Conditions:
CEP290-related disorder. Also called: CEP290-related condition; CEP290-related disorders. Identifiers: MedGen CN239314.
Inborn genetic diseases. Identifiers: MedGen C0950123, MeSH D030342.
Joubert syndrome. Also called: CEREBELLOPARENCHYMAL DISORDER IV; JOUBERT-BOLTSHAUSER SYNDROME; Familial aplasia of the vermis. Identifiers: Orphanet 475, MedGen C5979921, MONDO:0018772.
Meckel-Gruber syndrome. Also called: DYSENCEPHALIA SPLANCHNOCYSTICA; GRUBER SYNDROME; Dysencephalia splachnocystica. Identifiers: Orphanet 564, MedGen C0265215, MONDO:0018921.
Nephronophthisis. Also called: Juvenile Nephronophthisis. Identifiers: Orphanet 655, MedGen C0687120, MONDO:0019005, HP:0000090.
Joubert syndrome 5 (JBTS5). Identifiers: Orphanet 2318, MedGen C1857780, MONDO:0012432, OMIM 610188.
Senior-Loken syndrome 6 (SLSN6). Identifiers: Orphanet 3156, MedGen C1857779, MONDO:0012433, OMIM 610189.
Leber congenital amaurosis 10 (LCA10). Identifiers: Orphanet 65, MedGen C1857821, MONDO:0012723, OMIM 611755.
Meckel syndrome, type 4 (MKS4). Also called: MECKEL-GRUBER SYNDROME, TYPE 4. Identifiers: Orphanet 564, MedGen C1970161, MONDO:0012626, OMIM 611134.

Allele frequency attached by ClinVar (database versions not stated): ExAC 0.00001; gnomAD 0.00004; TOPMed 0.00004; gnomAD exomes 0.00006.

Submissions (4):

Ambry Genetics
Classification: Uncertain significance for Inborn genetic diseases. Last evaluated: 2024-08-19. Review status: criteria provided, single submitter. Criteria: Ambry Variant Classification Scheme 2023. Collection method: clinical testing. Allele origin: germline.

New York Genome Center
Classification: Uncertain significance for Leber congenital amaurosis 10; Senior-Loken syndrome 6; Meckel syndrome, type 4; Joubert syndrome 5. Last evaluated: 2022-08-02. Review status: criteria provided, single submitter. Criteria: NYGC Assertion Criteria 2020. Collection method: clinical testing. Allele origin: germline. Observed: 1 heterozygote.

Labcorp Genetics (formerly Invitae), Labcorp
Classification: Uncertain significance for Joubert syndrome; Meckel-Gruber syndrome; Nephronophthisis. Last evaluated: 2022-05-24. Review status: criteria provided, single submitter. Criteria: Invitae Variant Classification Sherloc (09022015). Collection method: clinical testing. Allele origin: germline.
Comment: This sequence change replaces arginine, which is basic and polar, with glutamine, which is neutral and polar, at codon 1084 of the CEP290 protein (p.Arg1084Gln). The frequency data for this variant in the population databases is considered unreliable, as metrics indicate poor data quality at this position in the gnomAD database. This variant has not been reported in the literature in individuals affected with CEP290-related conditions. Algorithms developed to predict the effect of missense changes on protein structure and function (SIFT, PolyPhen-2, Align-GVGD) all suggest that this variant is likely to be tolerated. Algorithms developed to predict the effect of sequence changes on RNA splicing suggest that this variant may disrupt the consensus splice site. In summary, the available evidence is currently insufficient to determine the role of this variant in disease. Therefore, it has been classified as a Variant of Uncertain Significance.

PreventionGenetics, part of Exact Sciences
Classification: Uncertain significance for CEP290-related condition. Last evaluated: 2024-05-08. Review status: no assertion criteria provided. Collection method: clinical testing. Allele origin: germline. Not counted in ClinVar's aggregate classification.
Comment: The CEP290 c.3251G>A variant is predicted to result in the amino acid substitution p.Arg1084Gln. To our knowledge, this variant has not been reported in the literature. This variant is reported in 0.0042% of alleles in individuals of African descent in gnomAD. At this time, the clinical significance of this variant is uncertain due to the absence of conclusive functional and genetic evidence.

NM_025114.4(CEP290):c.3251G>A (p.Arg1084Gln)

Gene: CEP290 (centrosomal protein 290; minus strand). Cytogenetic location: 12q21.32.
Variant type: single nucleotide variant.
Coding change: c.3251G>A on transcript NM_025114.4 (MANE Select); coding-DNA position 3251, G replaced by A.
Protein change: p.Arg1084Gln; replaces arginine 1084 with glutamine.
Molecular consequence: missense variant.
Genome position (GRCh38, 1-based): chr12:88,093,828, C>T on the plus strand (G>A on the coding strand, the complement: CEP290 is on the minus strand). VCF-style: chr12-88093828-C-T. GRCh37 (hg19) VCF-style: chr12-88487605-C-T.
Other names: short protein forms R1084Q.
Identifiers: ClinVar variation 1983493 (VCV001983493.6), dbSNP rs769274354, ClinGen allele CA6712186.
Genomic context (GRCh38, chr12:88,093,828, plus strand): 5'-ACCTCAGCAAATTTGGTTTCCAATTCAAAATTACGTTCCTCCATTTGCTTTAACGAAGTC[C>T]GTAAGTGTTCATACATTTTTTGACAATGTTCAGCCCGCTGCCTTTCATTTAATTCCTTCA-3'
Protein context (NP_079390.3, residues 1074-1094): EHCQKMYEHL[Arg1084Gln]TSLKQMEERN